The following is an entry in ClinVar:

NM_205836.3(FBXO38):c.2684T>C (p.Met895Thr)

Gene: FBXO38 (F-box protein 38; plus strand). Cytogenetic location: 5q32.
Variant type: single nucleotide variant.
Coding change: c.2684T>C on transcript NM_205836.3 (MANE Select); coding-DNA position 2684, T replaced by C.
Protein change: p.Met895Thr; replaces methionine 895 with threonine.
Molecular consequence: missense variant.
Genome position (GRCh38, 1-based): chr5:148,433,454, T>C. VCF-style: chr5-148433454-T-C. GRCh37 (hg19) VCF-style: chr5-147813017-T-C.
Other names: c.1949T>C, p.Met650Thr (NM_001271723.2); c.2459T>C, p.Met820Thr (NM_030793.5); short protein forms M650T, M820T, M895T.
Identifiers: ClinVar variation 2885027 (VCV002885027.3), dbSNP rs766584164, ClinGen allele CA3497573.

ClinVar aggregate classification (germline): Uncertain significance (1 of 4 stars; one submission).

Conditions:
Distal hereditary motor neuropathy type 2. Identifiers: Orphanet 139525, MedGen C3711384, MeSH C580044, MONDO:0015352.

Allele frequency attached by ClinVar (database versions not stated): ExAC 0.00001; gnomAD 0.00001.
gnomAD v4.1: 1 of 1,613,770 alleles (0.000062%); highest among the groups gnomAD compares: African/African-American, 0.0013%; no homozygotes.

Submission:

Labcorp Genetics (formerly Invitae), Labcorp
Classification: Uncertain significance for Distal hereditary motor neuropathy type 2. Last evaluated: 2023-04-22. Review status: criteria provided, single submitter. Criteria: Invitae Variant Classification Sherloc (09022015). Collection method: clinical testing. Allele origin: germline.
Comment: This variant has not been reported in the literature in individuals affected with FBXO38-related conditions. This variant is not present in population databases (gnomAD no frequency). This sequence change replaces methionine, which is neutral and non-polar, with threonine, which is neutral and polar, at codon 820 of the FBXO38 protein (p.Met820Thr). An algorithm developed to predict the effect of missense changes on protein structure and function (PolyPhen-2) suggests that this variant is likely to be tolerated. In summary, the available evidence is currently insufficient to determine the role of this variant in disease. Therefore, it has been classified as a Variant of Uncertain Significance.